The following is an entry in ClinVar:

NC_000010.10:g.(?_52834351)_(53227616_?)dup

Gene: PRKG1 (protein kinase cGMP-dependent 1; plus strand). Cytogenetic location: 10q11.23-21.1.
Variant type: Duplication.
Identifiers: ClinVar variation 2425546 (VCV002425546.3).

ClinVar aggregate classification (germline): Uncertain significance (1 of 4 stars; one submission).

Conditions:
Aortic aneurysm, familial thoracic 8 (AAT8). Identifiers: MedGen C3809513, MONDO:0014187, OMIM 615436.

Submission:

Labcorp Genetics (formerly Invitae), Labcorp
Classification: Uncertain significance for Aortic aneurysm, familial thoracic 8. Last evaluated: 2022-02-21. Review status: criteria provided, single submitter. Criteria: Invitae Variant Classification Sherloc (09022015). Collection method: clinical testing. Allele origin: germline.
Comment: This variant results in a copy number gain of the genomic region encompassing exon(s) 1-3 of the PRKG1 gene. This region includes the initiator codon of the gene. This copy number gain extends beyond the assayed region for this gene and therefore may encompass additional genes. As the precise location of this event is unknown, it may be in tandem or it may be located elsewhere in the genome. This variant has not been reported in the literature in individuals affected with PRKG1-related conditions. Experimental studies and prediction algorithms are not available or were not evaluated, and the functional significance of this variant is currently unknown. In summary, the available evidence is currently insufficient to determine the role of this variant in disease. Therefore, it has been classified as a Variant of Uncertain Significance.